The following is an entry in ClinVar:

NM_002615.7(SERPINF1):c.278C>T (p.Ser93Leu)

Genes: SERPINF1 (serpin family F member 1; plus strand), LOC130059892 (ATAC-STARR-seq lymphoblastoid active region 11457; plus strand). Cytogenetic location: 17p13.3.
Variant type: single nucleotide variant.
Coding change: c.278C>T on transcript NM_002615.7 (MANE Select); coding-DNA position 278, C replaced by T.
Protein change: p.Ser93Leu; replaces serine 93 with leucine.
Molecular consequence: missense variant. On other transcripts: 5 prime UTR variant (1).
Genome position (GRCh38, 1-based): chr17:1,770,045, C>T. VCF-style: chr17-1770045-C-T. GRCh37 (hg19) VCF-style: chr17-1673339-C-T.
Other names: c.278C>T, p.Ser93Leu (NM_001329903.2); c.-284C>T (NM_001329904.2); c.278C>T (NM_002615.5); short protein forms S93L.
Identifiers: ClinVar variation 1444044 (VCV001444044.4), dbSNP rs369973630, ClinGen allele CA8274591.

ClinVar aggregate classification (germline): Uncertain significance. Review status: criteria provided, multiple submitters, no conflicts (2 of 4 stars). 2 submissions from 2 submitters: Uncertain significance (2). Last evaluated 2021-09-06.

Conditions:
Inborn genetic diseases. Identifiers: MedGen C0950123, MeSH D030342.

Allele frequency attached by ClinVar (database versions not stated): TOPMed 0.00005; gnomAD exomes 0.00006; ESP Exome Variant Server 0.00008; gnomAD 0.00006; ExAC 0.00005.
gnomAD v4.1: 53 of 1,614,032 alleles (0.0033%); highest among the groups gnomAD compares: African/African-American, 0.023%; no homozygotes.

Submissions (2):

Labcorp Genetics (formerly Invitae), Labcorp
Classification: Uncertain significance. Last evaluated: 2021-09-06. Review status: criteria provided, single submitter. Criteria: Invitae Variant Classification Sherloc (09022015). Collection method: clinical testing. Allele origin: germline.
Comment: This sequence change replaces serine with leucine at codon 93 of the SERPINF1 protein (p.Ser93Leu). The serine residue is highly conserved and there is a large physicochemical difference between serine and leucine. This variant is present in population databases (rs369973630, ExAC 0.02%). This variant has not been reported in the literature in individuals affected with SERPINF1-related conditions. Algorithms developed to predict the effect of missense changes on protein structure and function are either unavailable or do not agree on the potential impact of this missense change (SIFT: "Not Available"; PolyPhen-2: "Benign"; Align-GVGD: "Not Available"). In summary, the available evidence is currently insufficient to determine the role of this variant in disease. Therefore, it has been classified as a Variant of Uncertain Significance.

Ambry Genetics
Classification: Uncertain significance for Inborn genetic diseases. Last evaluated: 2021-08-12. Review status: criteria provided, single submitter. Criteria: Ambry Variant Classification Scheme 2023. Collection method: clinical testing. Allele origin: germline.